The following is an entry in ClinVar:

ClinVar aggregate classification (germline): Pathogenic (1 of 4 stars; one submission).

gnomAD v4.1: 4 of 1,609,264 alleles (0.00025%); highest among the groups gnomAD compares: Non-Finnish European, 0.00034%; no homozygotes.

Submission:

Dasa
Classification: Pathogenic. Last evaluated: 2025-12-10. Review status: criteria provided, single submitter. Criteria: DASA Assertion Criteria. Collection method: clinical testing. Allele origin: germline.
Comment: NM_001160148.2(DDHD1):c.1429C>T (p.Arg477*) introduces a premature termination codon predicted to result in loss of normal protein function. Loss-of-function is an established mechanism of disease for this gene. Segregation evidence has been reported in affected families. This variant has been observed in affected individuals with related phenotype in a genotype context consistent with recessive disease (PMID: 30564185; PMID: 26944165). This variant has been recurrently observed in individuals with related phenotype (PMID: 30564185; PMID: 26944165). The variant is present at low frequency in population datasets. Based on the available data, this variant is classified as pathogenic.

Literature cited by the submitters: PubMed 30564185; PubMed 26944165.

NM_001160148.2(DDHD1):c.1429C>T (p.Arg477Ter)

Gene: DDHD1 (DDHD domain containing 1; minus strand). Cytogenetic location: 14q22.1.
Variant type: single nucleotide variant.
Coding change: c.1429C>T on transcript NM_001160148.2 (MANE Select); coding-DNA position 1429, C replaced by T.
Protein change: p.Arg477Ter; replaces arginine 477 with a stop codon.
Molecular consequence: nonsense.
Genome position (GRCh38, 1-based): chr14:53,072,671, G>A on the plus strand (C>T on the coding strand, the complement: DDHD1 is on the minus strand). VCF-style: chr14-53072671-G-A. GRCh37 (hg19) VCF-style: chr14-53539389-G-A.
Other names: c.1450C>T, p.Arg484Ter (NM_001160147.2); c.1429C>T, p.Arg477Ter (NM_030637.3); short protein forms R477*, R484*.
Identifiers: ClinVar variation 4851984 (VCV004851984.1).
Genomic context (GRCh38, chr14:53,072,671, plus strand): 5'-GTGGACTAGTATAATACATTATGTCCATTGCACTGCTGTTCAGCATATCCCTTAAACCTC[G>A]TACTTTGTCAGGAGTAATGGAATCAACAGTGTCTACAAAAACAAACAAAAAAAGCAAGTT-3'